The following is an entry in ClinVar:

NM_000132.4(F8):c.2947G>A (p.Val983Ile)

Gene: F8 (coagulation factor VIII; minus strand). Cytogenetic location: Xq28.
Variant type: single nucleotide variant.
Coding change: c.2947G>A on transcript NM_000132.4 (MANE Select); coding-DNA position 2947, G replaced by A.
Protein change: p.Val983Ile; replaces valine 983 with isoleucine.
Molecular consequence: missense variant.
Genome position (GRCh38, 1-based): chrX:154,930,843, C>T on the plus strand (G>A on the coding strand, the complement: F8 is on the minus strand). VCF-style: chrX-154930843-C-T. GRCh37 (hg19) VCF-style: chrX-154159118-C-T.
Other names: NM_000132.3(F8):c.2947G>A; short protein forms V983I.
Identifiers: ClinVar variation 368120 (VCV000368120.18), dbSNP rs35295375, ClinGen allele CA10568266.

ClinVar aggregate classification (germline): Benign. Review status: reviewed by expert panel (3 of 4 stars). 5 submissions from 5 submitters: Benign (1). 4 of the submissions do not count toward it. Last evaluated 2024-02-01.

Conditions:
Hereditary factor VIII deficiency disease (HEMA). Also called: AUTOSOMAL HEMOPHILIA A; HEM A; Factor 8 deficiency, congenital; Hemophilia A, congenital; HEMOPHILIA, CLASSIC; Hemophilia A. Identifiers: Orphanet 98878, MedGen C0019069, MONDO:0010602, OMIM 306700.

Allele frequency attached by ClinVar (database versions not stated): gnomAD exomes 0.00018 and 0.00047; ExAC 0.00060; 1000 Genomes Project 30x 0.00125; 1000 Genomes Project 0.00132; TOPMed 0.00198; ESP Exome Variant Server 0.00199; gnomAD 0.00205.
gnomAD v4.1: 421 of 1,206,380 alleles (0.035%); highest among the groups gnomAD compares: African/African-American, 0.66%; 1 homozygote.

Submissions (5):

ClinGen Coagulation Factor Deficiency Variant Curation Expert Panel, Clingen
Classification: Benign for Hereditary factor VIII deficiency disease. Last evaluated: 2024-02-01. Review status: reviewed by expert panel. Criteria: ClinGen CoagFactor ACMG Specifications F8 V1.0.0. Collection method: curation. Allele origin: germline. Inheritance: X-linked inheritance.
Comment: The NM_000132.3:c.2947G>A (p.Val983Ile) variant is reported at a high MAF of 0.00635 (120/18899 alleles with 31 hemizygotes) in the African subpopulation in gnomAD v2.1.1, meeting BA1 cut-off for F8 (>=0.000333). REVEL and SpliceAI scores of 0.194 and 0.01 meeting the BP4 cut-offs of <0.3 and <0.05, respectively. The variant has not been reported in patients with hemophilia A in the literature or Hemophilia databases, to the best of our knowledge. In summary, this variant meets criteria to be classified as benign. ACMG/AMP criteria applied, as specified by the Coagulation Factor Deficiency VCEP: BA1, BP4.

Mayo Clinic Laboratories, Mayo Clinic
Classification: Benign. Last evaluated: 2024-01-25. Review status: criteria provided, single submitter. Criteria: ACMG Guidelines, 2015. Collection method: clinical testing. Allele origin: germline. Observed: 2 variant alleles. Not counted in ClinVar's aggregate classification.
Comment: BS1, BS2, BP4

ARUP Laboratories, Molecular Genetics and Genomics, ARUP Laboratories
Classification: Likely benign for Hereditary factor VIII deficiency disease. Last evaluated: 2021-11-25. Review status: criteria provided, single submitter. Criteria: ARUP Molecular Germline Variant Investigation Process 2021. Collection method: clinical testing. Allele origin: germline. Not counted in ClinVar's aggregate classification.

Labcorp Genetics (formerly Invitae), Labcorp
Classification: Benign. Last evaluated: 2019-12-31. Review status: criteria provided, single submitter. Criteria: Invitae Variant Classification Sherloc (09022015). Collection method: clinical testing. Allele origin: germline. Not counted in ClinVar's aggregate classification.

Illumina Laboratory Services, Illumina
Classification: Benign for Hereditary factor VIII deficiency disease. Last evaluated: 2018-01-13. Review status: criteria provided, single submitter. Criteria: ICSL Variant Classification Criteria 13 December 2019. Collection method: clinical testing. Allele origin: germline. Not counted in ClinVar's aggregate classification.
Comment: This variant was observed in the ICSL laboratory as part of a predisposition screen in an ostensibly healthy population. It had not been previously curated by ICSL or reported in the Human Gene Mutation Database (HGMD: prior to June 1st, 2018), and was therefore a candidate for classification through an automated scoring system. Utilizing variant allele frequency, disease prevalence and penetrance estimates, and inheritance mode, an automated score was calculated to assess if this variant is too frequent to cause the disease. Based on the score and internal cut-off values, a variant classified as benign is not then subjected to further curation. The score for this variant resulted in a classification of benign for this disease.